The following is an entry in ClinVar:

ClinVar aggregate classification (germline): Uncertain significance. Review status: criteria provided, multiple submitters, no conflicts (2 of 4 stars). 4 submissions from 4 submitters: Uncertain significance (4). Last evaluated 2024-08-09.

Conditions:
Orofaciodigital syndrome type 6 (OFD6). Also called: OROFACIODIGITAL SYNDROME VI; OFDS VI; POLYDACTYLY, CLEFT LIP/PALATE OR LINGUAL LUMP, AND PSYCHOMOTOR RETARDATION; VARADI SYNDROME; VARADI-PAPP SYNDROME; Oral-facial-digital syndrome type 6. Identifiers: Orphanet 2754, MedGen C2745997, MONDO:0010176, OMIM 277170.
Joubert syndrome 17 (JBTS17). Identifiers: Orphanet 475, MedGen C3553264, MONDO:0013824, OMIM 614615.

Allele frequency attached by ClinVar (database versions not stated): gnomAD 0.00001 and 0.00002; gnomAD exomes 0.00002 and 0.00003; TOPMed 0.00003; ExAC 0.00009; 1000 Genomes Project 30x 0.00016; 1000 Genomes Project 0.00020.

Submissions (4):

Blueprint Genetics
Classification: Uncertain significance. Last evaluated: 2024-08-09. Review status: criteria provided, single submitter. Criteria: ACMG Guidelines, 2015. Collection method: clinical testing. Allele origin: germline.

Fulgent Genetics
Classification: Uncertain significance for Orofaciodigital syndrome type 6; Joubert syndrome 17. Last evaluated: 2024-05-17. Review status: criteria provided, single submitter. Criteria: ACMG Guidelines, 2015. Collection method: clinical testing. Allele origin: germline.

Labcorp Genetics (formerly Invitae), Labcorp
Classification: Uncertain significance. Last evaluated: 2022-06-15. Review status: criteria provided, single submitter. Criteria: Invitae Variant Classification Sherloc (09022015). Collection method: clinical testing. Allele origin: germline.
Comment: This sequence change replaces arginine, which is basic and polar, with tryptophan, which is neutral and slightly polar, at codon 216 of the CPLANE1 protein (p.Arg216Trp). This variant is present in population databases (rs543556323, gnomAD 0.006%). This variant has not been reported in the literature in individuals affected with CPLANE1-related conditions. ClinVar contains an entry for this variant (Variation ID: 1312026). Algorithms developed to predict the effect of missense changes on protein structure and function are either unavailable or do not agree on the potential impact of this missense change (SIFT: "Deleterious"; PolyPhen-2: "Probably Damaging"; Align-GVGD: "Class C0"). Algorithms developed to predict the effect of sequence changes on RNA splicing suggest that this variant may disrupt the consensus splice site. In summary, the available evidence is currently insufficient to determine the role of this variant in disease. Therefore, it has been classified as a Variant of Uncertain Significance.

GeneDx
Classification: Uncertain significance. Last evaluated: 2020-01-21. Review status: criteria provided, single submitter. Criteria: GeneDx Variant Classification Process June 2021. Collection method: clinical testing. Allele origin: germline. Affected: yes.
Comment: Not observed at a significant frequency in large population cohorts (Lek et al., 2016); In silico analysis, which includes protein predictors and evolutionary conservation, supports a deleterious effect; Has not been previously published as pathogenic or benign to our knowledge

NM_001384732.1(CPLANE1):c.646C>T (p.Arg216Trp)

Gene: CPLANE1 (ciliogenesis and planar polarity effector complex subunit 1; minus strand). Cytogenetic location: 5p13.2.
Variant type: single nucleotide variant.
Coding change: c.646C>T on transcript NM_001384732.1 (MANE Select); coding-DNA position 646, C replaced by T.
Protein change: p.Arg216Trp; replaces arginine 216 with tryptophan.
Molecular consequence: missense variant.
Genome position (GRCh38, 1-based): chr5:37,243,044, G>A on the plus strand (C>T on the coding strand, the complement: CPLANE1 is on the minus strand). VCF-style: chr5-37243044-G-A. GRCh37 (hg19) VCF-style: chr5-37243146-G-A.
Other names: c.646C>T, p.Arg216Trp (NM_023073.4); short protein forms R216W.
Identifiers: ClinVar variation 1312026 (VCV001312026.9), dbSNP rs543556323, ClinGen allele CA3239170.